The following is an entry in ClinVar:

ClinVar aggregate classification (germline): Pathogenic (1 of 4 stars; one submission).

Conditions:
Long QT syndrome (LQTS). Identifiers: MedGen C0023976, MeSH D008133, MONDO:0002442. Disease mechanism: loss of function. Inheritance: Various modes of inheritance.

Submission:

Labcorp Genetics (formerly Invitae), Labcorp
Classification: Pathogenic for Long QT syndrome. Last evaluated: 2019-02-05. Review status: criteria provided, single submitter. Criteria: Invitae Variant Classification Sherloc (09022015). Collection method: clinical testing. Allele origin: germline.
Comment: For these reasons, this variant has been classified as Pathogenic. Loss-of-function variants in KCNH2 are known to be pathogenic (PMID: 10973849, 19862833). This sequence change creates a premature translational stop signal (p.Gln84Leufs*38) in the KCNH2 gene. It is expected to result in an absent or disrupted protein product. This variant is not present in population databases (ExAC no frequency). This variant has been observed in an individual affected with long QT syndrome (PMID: 10973849). This variant is also known as p.A83fs/37 in the literature.

Literature cited by the submitters: PubMed 10973849; PubMed 19862833.

NM_000238.4(KCNH2):c.234_250dup (p.Gln84fs)

Gene: KCNH2 (potassium voltage-gated channel subfamily H member 2; minus strand). Cytogenetic location: 7q36.1.
Variant type: Duplication.
Coding change: c.234_250dup on transcript NM_000238.4 (MANE Select); coding-DNA positions 234 to 250, 17 bases duplicated (TGCCGCGCAGATCGCGC).
Protein change: p.Gln84fs; shifts the reading frame from glutamine 84.
Molecular consequence: frameshift variant.
Genome position (GRCh38, 1-based): chr7:150,974,768-150,974,784, GCGCGATCTGCGCGGCA duplicated on the plus strand (TGCCGCGCAGATCGCGC on the coding strand, the reverse complement: KCNH2 is on the minus strand); duplicating any 17 consecutive bases within chr7:150,974,768-150,974,789 gives the same sequence; the c. name uses the placement nearest the transcript's 3' end. VCF-style (leftmost placement, unchanged base first): chr7-150974767-T-TGCGCGATCTGCGCGGCA. GRCh37 (hg19) VCF-style: chr7-150671855-T-TGCGCGATCTGCGCGGCA.
Other names: c.234_250dup, p.Gln84fs (NM_000238.3); c.52_68dup, p.Gln25Leufs (NM_001406755.1); c.229_245dup, p.Gln84Leufs (NM_172056.3); short protein forms Q84fs.
Identifiers: ClinVar variation 641517 (VCV000641517.12), dbSNP rs1584883087, ClinGen allele CA915945557.